The following is an entry in ClinVar:

NM_005751.5(AKAP9):c.4604C>T (p.Pro1535Leu)

Gene: AKAP9 (A-kinase anchoring protein 9; plus strand). Cytogenetic location: 7q21.2.
Variant type: single nucleotide variant.
Coding change: c.4604C>T on transcript NM_005751.5 (MANE Select); coding-DNA position 4604, C replaced by T.
Protein change: p.Pro1535Leu; replaces proline 1535 with leucine.
Molecular consequence: missense variant.
Genome position (GRCh38, 1-based): chr7:92,038,684, C>T. VCF-style: chr7-92038684-C-T. GRCh37 (hg19) VCF-style: chr7-91667998-C-T.
Other names: c.4604C>T, p.Pro1535Leu (NM_147185.3); short protein forms P1535L.
Identifiers: ClinVar variation 2722166 (VCV002722166.4), dbSNP rs774755869, ClinGen allele CA368129143.
Genomic context (GRCh38, chr7:92,038,684, plus strand): 5'-AACCACTTAGTAAAGAGTTAGGAGAACATGGAAAGGAAATTTTATTATCAAATAGTGATC[C>T]CCATGATATACCAGAATCAAAGGACTGTGTGCTGACTATTTCAGAAGAAATGTTCTCCAA-3'
Protein context (NP_005742.4, residues 1525-1545): GKEILLSNSD[Pro1535Leu]HDIPESKDCV

ClinVar aggregate classification (germline): Conflicting classifications of pathogenicity. Review status: criteria provided, conflicting classifications (1 of 4 stars). 2 submissions from 2 submitters: Uncertain significance (1); Likely benign (1). Last evaluated 2026-01-10.

Conditions:
Cardiovascular phenotype. Identifiers: MedGen CN230736.
Long QT syndrome (LQTS). Identifiers: MedGen C0023976, MeSH D008133, MONDO:0002442. Disease mechanism: loss of function. Inheritance: Various modes of inheritance.

Submissions (2):

Ambry Genetics
Classification: Likely benign for Cardiovascular phenotype. Last evaluated: 2026-01-10. Review status: criteria provided, single submitter. Criteria: Ambry Variant Classification Scheme 2023. Collection method: clinical testing. Allele origin: germline.

Labcorp Genetics (formerly Invitae), Labcorp
Classification: Uncertain significance for Long QT syndrome. Last evaluated: 2023-07-07. Review status: criteria provided, single submitter. Criteria: Invitae Variant Classification Sherloc (09022015). Collection method: clinical testing. Allele origin: germline.
Comment: In summary, the available evidence is currently insufficient to determine the role of this variant in disease. Therefore, it has been classified as a Variant of Uncertain Significance. Algorithms developed to predict the effect of missense changes on protein structure and function output the following: SIFT: "Not Available"; PolyPhen-2: "Benign"; Align-GVGD: "Not Available". The leucine amino acid residue is found in multiple mammalian species, which suggests that this missense change does not adversely affect protein function. This variant has not been reported in the literature in individuals affected with AKAP9-related conditions. This variant is not present in population databases (gnomAD no frequency). This sequence change replaces proline, which is neutral and non-polar, with leucine, which is neutral and non-polar, at codon 1535 of the AKAP9 protein (p.Pro1535Leu).